The following is an entry in ClinVar:

NM_017841.4(SDHAF2):c.109G>T (p.Gly37Cys)

Gene: SDHAF2 (succinate dehydrogenase complex assembly factor 2; plus strand). Cytogenetic location: 11q12.2.
Variant type: single nucleotide variant.
Coding change: c.109G>T on transcript NM_017841.4 (MANE Select); coding-DNA position 109, G replaced by T.
Protein change: p.Gly37Cys; replaces glycine 37 with cysteine.
Molecular consequence: missense variant.
Genome position (GRCh38, 1-based): chr11:61,437,697, G>T. VCF-style: chr11-61437697-G-T. GRCh37 (hg19) VCF-style: chr11-61205169-G-T.
Other names: short protein forms G37C.
Identifiers: ClinVar variation 463816 (VCV000463816.11), dbSNP rs868016844, ClinGen allele CA380683103.
Genomic context (GRCh38, chr11:61,437,697, plus strand): 5'-TCAAGGCACAGCCTATTGTCTCCTTTGCTCAGTGTGACATCATTCAGACGCTTCTACAGA[G>T]GTGACAGCCCAACAGATTCCCAAAAGGACATGATTGAAATCCCTTTGCCTCCATGGCAGG-3'
Protein context (NP_060311.1, residues 27-47): SVTSFRRFYR[Gly37Cys]DSPTDSQKDM

ClinVar aggregate classification (germline): Uncertain significance. Review status: criteria provided, multiple submitters, no conflicts (2 of 4 stars). 2 submissions from 2 submitters: Uncertain significance (2). Last evaluated 2025-12-15.

Conditions:
Hereditary cancer-predisposing syndrome. Also called: Neoplastic Syndromes, Hereditary; Hereditary neoplastic syndrome; Tumor predisposition; Hereditary Cancer Syndrome. Identifiers: Orphanet 140162, MedGen C0027672, MeSH D009386, MONDO:0015356.
Hereditary pheochromocytoma and paraganglioma. Also called: Hereditary Paraganglioma-Pheochromocytoma Syndromes; Hereditary paragangliomas and pheochromocytomas; Hereditary pheochromocytoma-paraganglioma. Identifiers: Orphanet 29072, MedGen C4274332, MONDO:0017366.

Submissions (2):

Labcorp Genetics (formerly Invitae), Labcorp
Classification: Uncertain significance for Hereditary pheochromocytoma and paraganglioma. Last evaluated: 2025-12-15. Review status: criteria provided, single submitter. Criteria: Invitae Variant Classification Sherloc (09022015). Collection method: clinical testing. Allele origin: germline.
Comment: This sequence change replaces glycine, which is neutral and non-polar, with cysteine, which is neutral and slightly polar, at codon 37 of the SDHAF2 protein (p.Gly37Cys). This variant is not present in population databases (gnomAD no frequency). This variant has not been reported in the literature in individuals affected with SDHAF2-related conditions. ClinVar contains an entry for this variant (Variation ID: 463816). An algorithm developed to predict the effect of missense changes on protein structure and function (PolyPhen-2) suggests that this variant is likely to be disruptive. In summary, the available evidence is currently insufficient to determine the role of this variant in disease. Therefore, it has been classified as a Variant of Uncertain Significance.

Ambry Genetics
Classification: Uncertain significance for Hereditary cancer-predisposing syndrome. Last evaluated: 2024-12-13. Review status: criteria provided, single submitter. Criteria: Ambry Variant Classification Scheme 2023. Collection method: clinical testing. Allele origin: germline.
Comment: The p.G37C variant (also known as c.109G>T), located in coding exon 2 of the SDHAF2 gene, results from a G to T substitution at nucleotide position 109. The glycine at codon 37 is replaced by cysteine, an amino acid with highly dissimilar properties. This amino acid position is highly conserved in available vertebrate species. In addition, this alteration is predicted to be deleterious by in silico analysis. Based on the available evidence, the clinical significance of this variant remains unclear.